The following is an entry in ClinVar:

ClinVar aggregate classification (germline): Pathogenic/Likely pathogenic. Review status: criteria provided, multiple submitters, no conflicts (2 of 4 stars). 2 submissions from 2 submitters: Pathogenic (1); Likely pathogenic (1). Last evaluated 2025-08-19.

Conditions:
Renal cyst. Also called: Cystic kidney disease; cystic kidneys; Renal cysts. Identifiers: MedGen C3887499, MONDO:0002473, HP:0000107.
IFT140-related disorders.

Submissions (2):

Victorian Clinical Genetics Services, Murdoch Childrens Research Institute
Classification: Pathogenic for Renal cyst. Last evaluated: 2025-08-19. Review status: criteria provided, single submitter. Criteria: ACMG Guidelines, 2015. Collection method: clinical testing. Allele origin: germline. Affected: yes.
Comment: This variant is classified as Pathogenic. Evidence in support of pathogenic classification: Variant is predicted to cause nonsense-mediated decay (NMD) and loss of protein (premature termination codon is located at least 54 nucleotides upstream of the final exon-exon junction); Variant is absent from gnomAD (v2, v3 and v4); Other NMD-predicted variants comparable to the one identified in this case have very strong previous evidence for pathogenicity (DECIPHER). These variants have been reported in families with later onset autosomal dominant polycystic kidney disease (PMID: 34890546) and autosomal recessive IFT140-related conditions (PMIDs: 22503633, 26968735). Additional information: This variant is heterozygous; This gene is associated with both recessive and dominant disease. Retinitis pigmentosa 80 (MIM#617781) and short-rib thoracic dysplasia 9 with or without polydactyly (MIM#266920) are inherited in an autosomal recessive manner, while cystic kidney disease (MONDO:0002473), IFT140-related, is inherited in an autosomal dominant manner (OMIM, PMID: 34890546); This variant has no previous evidence of pathogenicity; No published evidence of segregation with disease has been identified for this variant; No published functional evidence has been identified for this variant; Loss of function is a known mechanism of disease in this gene and is associated with retinitis pigmentosa 80 (MIM#617781), short-rib thoracic dysplasia 9 with or without polydactyly (MIM#266920) and cystic kidney disease (MONDO:0002473), IFT140-related (PMID: 34890546); The dominant condition associated with this gene may have incomplete penetrance. Parents of children with short-rib thoracic dysplasia 9 with or without polydactyly, who carry a single pathogenic variant that has also previously been associated with the dominant cystic kidney disease phenotype, have been reported as unaffected (PMID: 34890546). However, these parents weren't specifically assessed for cystic kidney disease; Inheritance information for this variant is not currently available in this individual.

Blueprint Genetics
Classification: Likely pathogenic for IFT140-related disorders. Last evaluated: 2022-09-07. Review status: criteria provided, single submitter. Criteria: ACMG Guidelines, 2015. Collection method: clinical testing. Allele origin: germline. Affected: yes. Observed: 4 variant alleles.

Literature cited by the submitters: PubMed 26968735 (cited by Victorian Clinical Genetics Services, Murdoch Childrens Research Institute); PubMed 22503633 (cited by Victorian Clinical Genetics Services, Murdoch Childrens Research Institute); PubMed 34890546 (cited by Victorian Clinical Genetics Services, Murdoch Childrens Research Institute).

NM_014714.4(IFT140):c.1306_1312del (p.Val436fs)

Genes: IFT140 (intraflagellar transport 140; minus strand), LOC105371046 (uncharacterized LOC105371046; plus strand). Cytogenetic location: 16p13.3.
Variant type: Deletion.
Coding change: c.1306_1312del on transcript NM_014714.4 (MANE Select); coding-DNA positions 1306 to 1312, 7 bases deleted (GTCGCAC; older notation c.1306_1312delGTCGCAC).
Protein change: p.Val436fs; shifts the reading frame from valine 436.
Molecular consequence: frameshift variant.
Genome position (GRCh38, 1-based): chr16:1,584,264-1,584,270, GTGCGAC deleted on the plus strand (GTCGCAC on the coding strand, the reverse complement: IFT140 is on the minus strand). VCF-style (leftmost placement, unchanged base first): chr16-1584263-TGTGCGAC-T. GRCh37 (hg19) VCF-style: chr16-1634264-TGTGCGAC-T.
Other names: short protein forms V436fs.
Identifiers: ClinVar variation 4531525 (VCV004531525.2).